The following is an entry in ClinVar:

NM_000535.7(PMS2):c.128T>C (p.Val43Ala)

Gene: PMS2 (PMS1 homolog 2, mismatch repair system component; minus strand). Cytogenetic location: 7p22.1.
Variant type: single nucleotide variant.
Coding change: c.128T>C on transcript NM_000535.7 (MANE Select); coding-DNA position 128, T replaced by C.
Protein change: p.Val43Ala; replaces valine 43 with alanine.
Molecular consequence: missense variant. On other transcripts: 5 prime UTR variant (38), non-coding transcript variant (1), intron variant (7).
Genome position (GRCh38, 1-based): chr7:6,005,927, A>G on the plus strand (T>C on the coding strand, the complement: PMS2 is on the minus strand). VCF-style: chr7-6005927-A-G. GRCh37 (hg19) VCF-style: chr7-6045558-A-G.
Other names: c.-278T>C (NM_001322003.2, NM_001322005.2, NM_001322009.2 and 10 more transcripts); c.128T>C, p.Val43Ala (NM_001322006.2, NM_001322014.2, NM_001406868.1 and 10 more transcripts); c.-88T>C (NM_001322007.2, NM_001406876.1, NM_001406883.1 and 4 more transcripts); c.-757T>C (NM_001322011.2, NM_001322012.2); c.-357T>C (NM_001322015.2, NM_001406875.1, NM_001406877.1 and 2 more transcripts); c.314T>C, p.Val105Ala (NM_001406866.1); c.-304T>C (NM_001406880.1); c.-225T>C (NM_001406888.1, NM_001406889.1, NM_001406892.1 and 5 more transcripts); and 7 more; short protein forms V43A, V105A.
Identifiers: ClinVar variation 3935144 (VCV003935144.1).
Genomic context (GRCh38, chr7:6,005,927, plus strand): 5'-TGGCTTAAAACTCTCCCAAACTTACCAATATTAGTGGCACCAGCATCCAGACTGTTTTCT[A>G]CTAACTCCTTTACCGCAGTGCTTAGACTCAGTACCACCTGCCCAGAGCAAATCTGATGGA-3'
Protein context (NP_000526.2, residues 33-53): LSLSTAVKEL[Val43Ala]ENSLDAGATN

ClinVar aggregate classification (germline): Uncertain significance (1 of 4 stars; one submission).

Conditions:
Hereditary cancer-predisposing syndrome. Also called: Tumor predisposition; Hereditary neoplastic syndrome; Hereditary Cancer Syndrome; Neoplastic Syndromes, Hereditary. Identifiers: Orphanet 140162, MedGen C0027672, MeSH D009386, MONDO:0015356.

gnomAD v4.1: 1 of 1,610,748 alleles (0.000062%); highest among the groups gnomAD compares: East Asian, 0.0022%; no homozygotes.

Submission:

Ambry Genetics
Classification: Uncertain significance for Hereditary cancer-predisposing syndrome. Last evaluated: 2025-05-11. Review status: criteria provided, single submitter. Criteria: Ambry Variant Classification Scheme 2023. Collection method: clinical testing. Allele origin: germline.
Comment: The p.V43A variant (also known as c.128T>C), located in coding exon 2 of the PMS2 gene, results from a T to C substitution at nucleotide position 128. The valine at codon 43 is replaced by alanine, an amino acid with similar properties. This amino acid position is conserved. In addition, this alteration is predicted to be deleterious by in silico analysis. Based on the available evidence, the clinical significance of this variant remains unclear.